The following is an entry in ClinVar:

NM_007103.4(NDUFV1):c.1354C>G (p.Arg452Gly)

Genes: NDUFV1 (NADH:ubiquinone oxidoreductase core subunit V1; plus strand), LOC126861242 (CDK7 strongly-dependent group 2 enhancer GRCh37_chr11:67379204-67380403; plus strand). Cytogenetic location: 11q13.2.
Variant type: single nucleotide variant.
Coding change: c.1354C>G on transcript NM_007103.4 (MANE Select); coding-DNA position 1354, C replaced by G.
Protein change: p.Arg452Gly; replaces arginine 452 with glycine.
Molecular consequence: missense variant.
Genome position (GRCh38, 1-based): chr11:67,612,417, C>G. VCF-style: chr11-67612417-C-G. GRCh37 (hg19) VCF-style: chr11-67379888-C-G.
Other names: c.1327C>G, p.Arg443Gly (NM_001166102.2); short protein forms R443G, R452G.
Identifiers: ClinVar variation 1409922 (VCV001409922.6), dbSNP rs376471147, ClinGen allele CA381543241.

ClinVar aggregate classification (germline): Uncertain significance (1 of 4 stars; one submission).

Submission:

Labcorp Genetics (formerly Invitae), Labcorp
Classification: Uncertain significance. Last evaluated: 2022-06-27. Review status: criteria provided, single submitter. Criteria: Invitae Variant Classification Sherloc (09022015). Collection method: clinical testing. Allele origin: germline.
Comment: In summary, the available evidence is currently insufficient to determine the role of this variant in disease. Therefore, it has been classified as a Variant of Uncertain Significance. Advanced modeling of protein sequence and biophysical properties (such as structural, functional, and spatial information, amino acid conservation, physicochemical variation, residue mobility, and thermodynamic stability) performed at Invitae indicates that this missense variant is not expected to disrupt NDUFV1 protein function. This variant has not been reported in the literature in individuals affected with NDUFV1-related conditions. This variant is not present in population databases (gnomAD no frequency). This sequence change replaces arginine, which is basic and polar, with glycine, which is neutral and non-polar, at codon 452 of the NDUFV1 protein (p.Arg452Gly).